The following is an entry in ClinVar:

ClinVar aggregate classification (germline): Uncertain significance (1 of 4 stars; one submission).

Submission:

GeneDx
Classification: Uncertain significance. Last evaluated: 2017-09-14. Review status: criteria provided, single submitter. Criteria: GeneDx Variant Classification (06012015). Collection method: clinical testing. Allele origin: germline. Affected: yes.
Comment: The L33H variant in the ETV6 gene has not been reported previously as a pathogenic variant, nor as a benign variant, to our knowledge. The L33H variant is not observed in large population cohorts (Lek et al., 2016; 1000 Genomes Consortium et al., 2015; Exome Variant Server). The L33H variant is a non-conservative amino acid substitution, which occurs at a position that is conserved across species. In silico analysis is inconsistent in its predictions as to whether or not the variant is damaging to the protein structure/function. We interpret L33H as a variant of uncertain significance.

NM_001987.5(ETV6):c.98T>A (p.Leu33His)

Gene: ETV6 (ETS variant transcription factor 6; plus strand). Cytogenetic location: 12p13.2.
Variant type: single nucleotide variant.
Coding change: c.98T>A on transcript NM_001987.5 (MANE Select); coding-DNA position 98, T replaced by A.
Protein change: p.Leu33His; replaces leucine 33 with histidine.
Molecular consequence: missense variant.
Genome position (GRCh38, 1-based): chr12:11,752,514, T>A. VCF-style: chr12-11752514-T-A. GRCh37 (hg19) VCF-style: chr12-11905448-T-A.
Other names: short protein forms L33H.
Identifiers: ClinVar variation 452026 (VCV000452026.2), dbSNP rs1555123823, ClinGen allele CA384041699.
Genomic context (GRCh38, chr12:11,752,514, plus strand): 5'-AACGAATTTCATATACACCTCCAGAGAGCCCAGTGCCGAGTTACGCTTCCTCGACGCCAC[T>A]TCATGTTCCAGTGCCTCGAGCGCTCAGGATGGAGGAAGACTCGATCCGCCTGCCTGCGCA-3'
Protein context (NP_001978.1, residues 23-43): PVPSYASSTP[Leu33His]HVPVPRALRM